The following is an entry in ClinVar:

ClinVar aggregate classification (germline): Pathogenic. Review status: criteria provided, multiple submitters, no conflicts (2 of 4 stars). 2 submissions from 2 submitters: Pathogenic (2). Last evaluated 2025-10-01.

Conditions:
Hereditary spastic paraplegia 11. Also called: Spastic Paraplegia 11; Nakamura Osame syndrome; Autosomal recessive hereditary spastic paraplegia, mental impairment, and thin corpus callosum; SPASTIC PARAPLEGIA, AUTOSOMAL RECESSIVE, COMPLICATED, WITH THIN CORPUS CALLOSUM; SPASTIC PARAPLEGIA, AUTOSOMAL RECESSIVE, WITH MENTAL IMPAIRMENT AND THIN CORPUS CALLOSUM; Spastic paraplegia, mental retardation and thin corpus callosum. Identifiers: Orphanet 2822, MedGen C1858479, MONDO:0011445, OMIM 604360.

Submissions (2):

Victorian Clinical Genetics Services, Murdoch Childrens Research Institute
Classification: Pathogenic for Hereditary spastic paraplegia 11. Last evaluated: 2025-10-01. Review status: criteria provided, single submitter. Criteria: ACMG Guidelines, 2015. Collection method: clinical testing. Allele origin: germline.
Comment: This variant is classified as Pathogenic. Evidence in support of pathogenic classification: Variant is predicted to cause nonsense-mediated decay (NMD) and loss of protein (premature termination codon is located at least 54 nucleotides upstream of the final exon-exon junction); Variant is present in gnomAD <0.01 for a recessive condition (v4: 10 heterozygote(s), 0 homozygote(s)); Other NMD predicted variant(s) comparable to the one identified in this case have very strong previous evidence for pathogenicity (DECIPHER). Additional information: This variant is heterozygous; This gene is associated with autosomal recessive disease; Loss of function is a known mechanism of disease in this gene and is associated with hereditary spastic paraplegia 11 (MONDO:0011445).

Labcorp Genetics (formerly Invitae), Labcorp
Classification: Pathogenic for Hereditary spastic paraplegia 11. Last evaluated: 2024-02-24. Review status: criteria provided, single submitter. Criteria: Invitae Variant Classification Sherloc (09022015). Collection method: clinical testing. Allele origin: germline.
Comment: This sequence change creates a premature translational stop signal (p.Cys2090Serfs*13) in the SPG11 gene. It is expected to result in an absent or disrupted protein product. Loss-of-function variants in SPG11 are known to be pathogenic (PMID: 19105190, 20110243, 22154821, 26556829). This variant is present in population databases (rs749705821, gnomAD 0.002%). This premature translational stop signal has been observed in individual(s) with SPG11-related conditions (PMID: 27820618). Algorithms developed to predict the effect of sequence changes on RNA splicing suggest that this variant may disrupt the consensus splice site. For these reasons, this variant has been classified as Pathogenic.

Literature cited by the submitters: PubMed 19105190 (cited by Labcorp Genetics (formerly Invitae), Labcorp); PubMed 20110243 (cited by Labcorp Genetics (formerly Invitae), Labcorp); PubMed 22154821 (cited by Labcorp Genetics (formerly Invitae), Labcorp); PubMed 26556829 (cited by Labcorp Genetics (formerly Invitae), Labcorp); PubMed 27820618 (cited by Labcorp Genetics (formerly Invitae), Labcorp).

NM_025137.4(SPG11):c.6269_6270del (p.Cys2090fs)

Gene: SPG11 (SPG11 vesicle trafficking associated, spatacsin; minus strand). Cytogenetic location: 15q21.1.
Variant type: Microsatellite.
Coding change: c.6269_6270del on transcript NM_025137.4 (MANE Select); coding-DNA positions 6269 to 6270, 2 bases deleted (GT; older notation c.6269_6270delGT).
Protein change: p.Cys2090fs; shifts the reading frame from cysteine 2090.
Molecular consequence: frameshift variant.
Genome position (GRCh38, 1-based): chr15:44,572,756-44,572,757, AC deleted on the plus strand (GT on the coding strand, the reverse complement: SPG11 is on the minus strand); deleting any 2 consecutive bases within chr15:44,572,756-44,572,760 gives the same sequence; the c. name uses the placement nearest the transcript's 3' end. VCF-style (leftmost placement, unchanged base first): chr15-44572755-GAC-G. GRCh37 (hg19) VCF-style: chr15-44864953-GAC-G.
Other names: c.5930_5931del, p.Cys1977fs (NM_001160227.2); short protein forms C2090fs, C1977fs.
Identifiers: ClinVar variation 1453771 (VCV001453771.10), dbSNP rs749705821, ClinGen allele CA7534192.